The following is an entry in ClinVar:

NM_001015880.2(PAPSS2):c.1555C>A (p.Pro519Thr)

Gene: PAPSS2 (3'-phosphoadenosine 5'-phosphosulfate synthase 2; plus strand). Cytogenetic location: 10q23.31.
Variant type: single nucleotide variant.
Coding change: c.1555C>A on transcript NM_001015880.2 (MANE Select); coding-DNA position 1555, C replaced by A.
Protein change: p.Pro519Thr; replaces proline 519 with threonine.
Molecular consequence: missense variant.
Genome position (GRCh38, 1-based): chr10:87,745,065, C>A. VCF-style: chr10-87745065-C-A. GRCh37 (hg19) VCF-style: chr10-89504822-C-A.
Other names: c.1540C>A, p.Pro514Thr (NM_004670.4); short protein forms P514T, P519T.
Identifiers: ClinVar variation 1954285 (VCV001954285.5), dbSNP rs1853919263, ClinGen allele CA377483760.
Genomic context (GRCh38, chr10:87,745,065, plus strand): 5'-CAGTGGCACTGCAGGTCCCGGATGATTGCGGGTGCCAATTTCTACATTGTGGGGAGGGAC[C>A]CTGCAGGAATGCCCCATCCTGAAACCAAGAAGGATCTGTATGAACCCACTCATGGGGGCA-3'
Protein context (NP_001015880.1, residues 509-529): GANFYIVGRD[Pro519Thr]AGMPHPETKK

ClinVar aggregate classification (germline): Uncertain significance (1 of 4 stars; one submission).

Conditions:
Spondyloepimetaphyseal dysplasia, PAPSS2 type. Also called: SEMD, PAKISTANI TYPE; BRACHYOLMIA TYPE 4 WITH MILD EPIPHYSEAL AND METAPHYSEAL CHANGES; SPONDYLODYSPLASIA AND PREMATURE PUBARCHE. Identifiers: Orphanet 93282, MedGen C2748516, MONDO:0019666, OMIM 612847.

Submission:

Labcorp Genetics (formerly Invitae), Labcorp
Classification: Uncertain significance for Spondyloepimetaphyseal dysplasia, PAPSS2 type. Last evaluated: 2025-03-17. Review status: criteria provided, single submitter. Criteria: Invitae Variant Classification Sherloc (09022015). Collection method: clinical testing. Allele origin: germline.
Comment: This sequence change replaces proline, which is neutral and non-polar, with threonine, which is neutral and polar, at codon 519 of the PAPSS2 protein (p.Pro519Thr). This variant is not present in population databases (gnomAD no frequency). This variant has not been reported in the literature in individuals affected with PAPSS2-related conditions. ClinVar contains an entry for this variant (Variation ID: 1954285). An algorithm developed to predict the effect of missense changes on protein structure and function (PolyPhen-2) suggests that this variant is likely to be disruptive. In summary, the available evidence is currently insufficient to determine the role of this variant in disease. Therefore, it has been classified as a Variant of Uncertain Significance.